The following is an entry in ClinVar:

NM_001166108.2(PALLD):c.2686C>T (p.Arg896Trp)

Genes: CBR4 (carbonyl reductase 4; minus strand), PALLD (palladin, cytoskeletal associated protein; plus strand). Cytogenetic location: 4q32.3.
Variant type: single nucleotide variant.
Coding change: c.2686C>T on transcript NM_001166108.2 (MANE Select); coding-DNA position 2686, C replaced by T.
Protein change: p.Arg896Trp; replaces arginine 896 with tryptophan.
Molecular consequence: missense variant.
Genome position (GRCh38, 1-based): chr4:168,913,990, C>T. VCF-style: chr4-168913990-C-T. GRCh37 (hg19) VCF-style: chr4-169835141-C-T.
Other names: c.1489C>T, p.Arg497Trp (NM_001166109.2); c.1174C>T, p.Arg392Trp (NM_001166110.2); c.514C>T, p.Arg172Trp (NM_001367567.1, NM_001367569.1); c.565C>T, p.Arg189Trp (NM_001367568.1, NM_001367570.1); c.2635C>T, p.Arg879Trp (NM_016081.4); short protein forms R172W, R392W, R879W, R189W, R896W, R497W.
Identifiers: ClinVar variation 902155 (VCV000902155.11), dbSNP rs772889018, ClinGen allele CA3135927.

ClinVar aggregate classification (germline): Uncertain significance. Review status: criteria provided, multiple submitters, no conflicts (2 of 4 stars). 3 submissions from 3 submitters: Uncertain significance (3). Last evaluated 2024-09-28.

Conditions:
Pancreatic cancer, susceptibility to, 1. Identifiers: Orphanet 1333, MedGen C1847351, MONDO:0011739, OMIM 606856.
Pancreatic adenocarcinoma. Identifiers: MedGen C0281361, MONDO:0006047, HP:0006725.

Allele frequency attached by ClinVar (database versions not stated): TOPMed below 0.00001; ExAC 0.00001.
gnomAD v4.1: 6 of 1,610,314 alleles (0.00037%); highest among the groups gnomAD compares: African/African-American, 0.0013%; no homozygotes.

Submissions (3):

Labcorp Genetics (formerly Invitae), Labcorp
Classification: Uncertain significance for Pancreatic adenocarcinoma. Last evaluated: 2024-09-28. Review status: criteria provided, single submitter. Criteria: Invitae Variant Classification Sherloc (09022015). Collection method: clinical testing. Allele origin: germline.
Comment: This sequence change replaces arginine, which is basic and polar, with tryptophan, which is neutral and slightly polar, at codon 392 of the PALLD protein (p.Arg392Trp). This variant is present in population databases (rs772889018, gnomAD 0.007%). This variant has not been reported in the literature in individuals affected with PALLD-related conditions. ClinVar contains an entry for this variant (Variation ID: 902155). An algorithm developed to predict the effect of missense changes on protein structure and function (PolyPhen-2) suggests that this variant is likely to be disruptive. In summary, the available evidence is currently insufficient to determine the role of this variant in disease. Therefore, it has been classified as a Variant of Uncertain Significance.

Ambry Genetics
Classification: Uncertain significance. Last evaluated: 2024-07-14. Review status: criteria provided, single submitter. Criteria: Ambry Variant Classification Scheme 2023. Collection method: clinical testing. Allele origin: germline.
Comment: The p.R879W variant (also known as c.2635C>T), located in coding exon 14 of the PALLD gene, results from a C to T substitution at nucleotide position 2635. The arginine at codon 879 is replaced by tryptophan, an amino acid with dissimilar properties. This amino acid position is conserved. In addition, this alteration is predicted to be tolerated by in silico analysis. Since supporting evidence is limited at this time, the clinical significance of this alteration remains unclear.

Illumina Laboratory Services, Illumina
Classification: Uncertain significance for Pancreatic cancer, susceptibility to, 1. Last evaluated: 2018-01-13. Review status: criteria provided, single submitter. Criteria: ICSL Variant Classification Criteria 13 December 2019. Collection method: clinical testing. Allele origin: germline.